The following is an entry in ClinVar:

ClinVar aggregate classification (germline): Likely pathogenic (1 of 4 stars; one submission).

Conditions:
Polycystic kidney disease 4 (PKD4). Also called: POLYCYSTIC KIDNEY AND HEPATIC DISEASE 1; POLYCYSTIC KIDNEY DISEASE, INFANTILE, TYPE I; POLYCYSTIC KIDNEY DISEASE 4 WITH OR WITHOUT POLYCYSTIC LIVER DISEASE; PKD3; Autosomal Recessive Polycystic Kidney Disease – PKHD1. Identifiers: MedGen C4540575, MONDO:0033004, OMIM 263200.

Submission:

Myriad Genetics, Inc.
Classification: Likely pathogenic for Polycystic kidney disease 4. Last evaluated: 2022-04-01. Review status: criteria provided, single submitter. Criteria: Myriad Women's Health Autosomal Recessive and X-Linked Classification Criteria (2021). Collection method: clinical testing. Allele origin: unknown.
Comment: NM_138694.3(PKHD1):c.8846_8847delAG(E2949Gfs*13) is expected to be pathogenic in the context of autosomal recessive polycystic kidney disease, PKHD1-related. This variant is predicted to lead to an abnormal or absent protein product due to the creation of a premature termination codon in PKHD1, a gene where loss-of-function variants are known to be pathogenic. Please note: this variant was assessed in the context of healthy population screening.

NM_138694.4(PKHD1):c.8846_8847del (p.Glu2949fs)

Gene: PKHD1 (PKHD1 ciliary IPT domain containing fibrocystin/polyductin; minus strand). Cytogenetic location: 6p12.3.
Variant type: Deletion.
Coding change: c.8846_8847del on transcript NM_138694.4 (MANE Select); coding-DNA positions 8846 to 8847, 2 bases deleted (AG; older notation c.8846_8847delAG).
Protein change: p.Glu2949fs; shifts the reading frame from glutamic acid 2949.
Molecular consequence: frameshift variant.
Genome position (GRCh38, 1-based): chr6:51,753,304-51,753,305, CT deleted on the plus strand (AG on the coding strand, the reverse complement: PKHD1 is on the minus strand); deleting any 2 consecutive bases within chr6:51,753,304-51,753,306 gives the same sequence; the c. name uses the placement nearest the transcript's 3' end. VCF-style (leftmost placement, unchanged base first): chr6-51753303-CCT-C. GRCh37 (hg19) VCF-style: chr6-51618101-CCT-C.
Other names: c.8846_8847del, p.Glu2949fs (NM_170724.3); short protein forms E2949fs.
Identifiers: ClinVar variation 1725813 (VCV001725813.2), dbSNP rs2533917198, ClinGen allele CA2580075521.